The following is an entry in ClinVar:

ClinVar aggregate classification (germline): Uncertain significance (1 of 4 stars; one submission).

Conditions:
Hereditary cancer-predisposing syndrome. Also called: Neoplastic Syndromes, Hereditary; Hereditary Cancer Syndrome; Tumor predisposition; Hereditary neoplastic syndrome. Identifiers: Orphanet 140162, MedGen C0027672, MeSH D009386, MONDO:0015356.

Submission:

Ambry Genetics
Classification: Uncertain significance for Hereditary cancer-predisposing syndrome. Last evaluated: 2025-01-11. Review status: criteria provided, single submitter. Criteria: Ambry Variant Classification Scheme 2023. Collection method: clinical testing. Allele origin: germline.
Comment: The c.1540_1545delGGCTGC variant (also known as p.G514_C515del) is located in coding exon 8 of the RET gene. This variant results from an in-frame GGCTGC deletion at nucleotide positions 1540 to 1545. This results in the in-frame deletion of 2 amino acids (GC) at codons 514 and 515. These amino acid positions are generally conserved in available vertebrate species. In addition, this alteration is predicted to be deleterious by in silico analysis (Choi Y et al. PLoS ONE. 2012; 7(10):e46688). Based on the available evidence, the clinical significance of this variant remains unclear.

NM_020975.6(RET):c.1540_1545del (p.Gly514_Cys515del)

Gene: RET (ret proto-oncogene; plus strand). Cytogenetic location: 10q11.21.
Variant type: Deletion.
Coding change: c.1540_1545del on transcript NM_020975.6 (MANE Select); coding-DNA positions 1540 to 1545, 6 bases deleted (GGCTGC; older notation c.1540_1545delGGCTGC).
Protein change: p.Gly514_Cys515del.
Molecular consequence: inframe deletion.
Genome position (GRCh38, 1-based): chr10:43,112,116-43,112,121, GGCTGC deleted. VCF-style (leftmost placement, unchanged base first): chr10-43112115-GGGCTGC-G. GRCh37 (hg19) VCF-style: chr10-43607563-GGGCTGC-G.
Other names: c.778_783del, p.Gly260_Cys261del (NM_001355216.2); c.1540_1545del, p.Gly514_Cys515del (NM_001406743.1, NM_001406744.1, NM_001406759.1 and 4 more transcripts); c.1411_1416del, p.Gly471_Cys472del (NM_001406761.1, NM_001406762.1, NM_001406764.1 and 1 more transcripts); c.1252_1257del, p.Gly418_Cys419del (NM_001406766.1, NM_001406767.1, NM_001406770.1); c.1144_1149del, p.Gly382_Cys383del (NM_001406769.1, NM_001406772.1); c.1102_1107del, p.Gly368_Cys369del (NM_001406771.1, NM_001406773.1); c.1015_1020del, p.Gly339_Cys340del (NM_001406774.1); c.814_819del, p.Gly272_Cys273del (NM_001406775.1, NM_001406776.1, NM_001406777.1 and 1 more transcripts); and 5 more.
Identifiers: ClinVar variation 3788311 (VCV003788311.1).